The following is an entry in ClinVar:

NM_138775.3(ALKBH8):c.437C>T (p.Ser146Phe)

Gene: ALKBH8 (alkB homolog 8, tRNA methyltransferase; minus strand). Cytogenetic location: 11q22.3.
Variant type: single nucleotide variant.
Coding change: c.437C>T on transcript NM_138775.3 (MANE Select); coding-DNA position 437, C replaced by T.
Protein change: p.Ser146Phe; replaces serine 146 with phenylalanine.
Molecular consequence: missense variant. On other transcripts: non-coding transcript variant (6).
Genome position (GRCh38, 1-based): chr11:107,553,909, G>A on the plus strand (C>T on the coding strand, the complement: ALKBH8 is on the minus strand). VCF-style: chr11-107553909-G-A. GRCh37 (hg19) VCF-style: chr11-107424635-G-A.
Other names: c.437C>T, p.Ser146Phe (NM_001301010.3, NM_001378133.1); short protein forms S146F.
Identifiers: ClinVar variation 2626947 (VCV002626947.1), dbSNP rs144018060, ClinGen allele CA6261235.

ClinVar aggregate classification (germline): Uncertain significance (1 of 4 stars; one submission).

Allele frequency attached by ClinVar (database versions not stated): ESP Exome Variant Server 0.00092.
gnomAD v4.1: 1,526 of 1,613,684 alleles (0.095%); highest among the groups gnomAD compares: Non-Finnish European, 0.11%; 2 homozygotes.

Submission:

Greenwood Genetic Center Diagnostic Laboratories, Greenwood Genetic Center
Classification: Uncertain significance. Last evaluated: 2023-07-07. Review status: criteria provided, single submitter. Criteria: ACMG Guidelines, 2015. Collection method: clinical testing. Allele origin: germline. Affected: yes.
Comment: BP4